The following is an entry in ClinVar:

ClinVar aggregate classification (germline): Uncertain significance (1 of 4 stars; one submission).

Submission:

Labcorp Genetics (formerly Invitae), Labcorp
Classification: Uncertain significance. Last evaluated: 2022-09-19. Review status: criteria provided, single submitter. Criteria: Invitae Variant Classification Sherloc (09022015). Collection method: clinical testing. Allele origin: germline.
Comment: In summary, the available evidence is currently insufficient to determine the role of this variant in disease. Therefore, it has been classified as a Variant of Uncertain Significance. Algorithms developed to predict the effect of sequence changes on RNA splicing suggest that this variant may create or strengthen a splice site. Advanced modeling of protein sequence and biophysical properties (such as structural, functional, and spatial information, amino acid conservation, physicochemical variation, residue mobility, and thermodynamic stability) performed at Invitae indicates that this missense variant is expected to disrupt ORC4 protein function. ClinVar contains an entry for this variant (Variation ID: 1467744). This variant has not been reported in the literature in individuals affected with ORC4-related conditions. This variant is not present in population databases (gnomAD no frequency). This sequence change replaces asparagine, which is neutral and polar, with lysine, which is basic and polar, at codon 122 of the ORC4 protein (p.Asn122Lys).

NM_181741.4(ORC4):c.366T>G (p.Asn122Lys)

Gene: ORC4 (origin recognition complex subunit 4; minus strand). Cytogenetic location: 2q23.1.
Variant type: single nucleotide variant.
Coding change: c.366T>G on transcript NM_181741.4 (MANE Select); coding-DNA position 366, T replaced by G.
Protein change: p.Asn122Lys; replaces asparagine 122 with lysine.
Molecular consequence: missense variant.
Genome position (GRCh38, 1-based): chr2:147,958,319, A>C on the plus strand (T>G on the coding strand, the complement: ORC4 is on the minus strand). VCF-style: chr2-147958319-A-C. GRCh37 (hg19) VCF-style: chr2-148715888-A-C.
Other names: c.114T>G, p.Asn38Lys (NM_001374272.1, NM_001190881.3); c.366T>G, p.Asn122Lys (NM_002552.5, NM_181742.5, NM_001190879.3 and 1 more transcripts); c.144T>G, p.Asn48Lys (NM_001190882.3); short protein forms N122K, N38K, N48K.
Identifiers: ClinVar variation 1467744 (VCV001467744.6), dbSNP rs2105314346, ClinGen allele CA348714211.
Genomic context (GRCh38, chr2:147,958,319, plus strand): 5'-TAAAAGTCTATTTAATAAAATAACTGAAATGATACTTACAAAAACTTTATCTCCAACTAC[A>C]TTTTCCAGATTTAACTGCCTTGTGATTTCCTTTAGGGCGATTTTGTCATTGATCTGCAGC-3'
Protein context (NP_859525.1, residues 112-132): KEITRQLNLE[Asn122Lys]VVGDKVFGSF